The following is an entry in ClinVar:

ClinVar aggregate classification (germline): Benign/Likely benign. Review status: criteria provided, multiple submitters, no conflicts (2 of 4 stars). 4 submissions from 4 submitters: Benign (1); Likely benign (2). 1 of the submissions does not count toward it. Last evaluated 2026-02-01.

Conditions:
CAMK2B-related disorder. Also called: CAMK2B-related condition.

Allele frequency attached by ClinVar (database versions not stated): gnomAD exomes 0.00021 and 0.00051; 1000 Genomes Project 30x 0.00109; ExAC 0.00118; 1000 Genomes Project 0.00120.
gnomAD v4.1: 317 of 1,516,744 alleles (0.021%); highest among the groups gnomAD compares: South Asian, 0.3%; 4 homozygotes.

Submissions (4):

CeGaT Center for Human Genetics Tuebingen
Classification: Likely benign. Last evaluated: 2026-02-01. Review status: criteria provided, single submitter. Criteria: CeGaT Center For Human Genetics Tuebingen Variant Classification Criteria Version 2. Collection method: clinical testing. Allele origin: germline. Affected: yes. Observed: 2 variant alleles.
Comment: CAMK2B: BP4, BP7, BS1

Labcorp Genetics (formerly Invitae), Labcorp
Classification: Benign. Last evaluated: 2026-01-05. Review status: criteria provided, single submitter. Criteria: Invitae Variant Classification Sherloc (09022015). Collection method: clinical testing. Allele origin: germline.

Blueprint Genetics
Classification: Likely benign. Last evaluated: 2024-09-20. Review status: criteria provided, single submitter. Criteria: ACMG Guidelines, 2015. Collection method: clinical testing. Allele origin: germline.

PreventionGenetics, part of Exact Sciences
Classification: Likely benign for CAMK2B-related condition. Last evaluated: 2023-09-20. Review status: no assertion criteria provided. Collection method: clinical testing. Allele origin: germline. Not counted in ClinVar's aggregate classification.
Comment: This variant is classified as likely benign based on ACMG/AMP sequence variant interpretation guidelines (Richards et al. 2015 PMID: 25741868, with internal and published modifications).

NM_001220.5(CAMK2B):c.1311G>A (p.Pro437=)

Gene: CAMK2B (calcium/calmodulin dependent protein kinase II beta; minus strand). Cytogenetic location: 7p13.
Variant type: single nucleotide variant.
Coding change: c.1311G>A on transcript NM_001220.5 (MANE Select); coding-DNA position 1311, G replaced by A.
Protein change: p.Pro437=; no amino-acid change (proline 437 retained).
Molecular consequence: synonymous variant. On other transcripts: intron variant (8).
Genome position (GRCh38, 1-based): chr7:44,229,416, C>T on the plus strand (G>A on the coding strand, the complement: CAMK2B is on the minus strand). VCF-style: chr7-44229416-C-T. GRCh37 (hg19) VCF-style: chr7-44269015-C-T.
Other names: c.947-8515G>A (NM_172084.3); c.1150+1590G>A (NM_172080.3); c.1036+1590G>A (NM_172083.3); c.1108+1590G>A (NM_172081.3); c.1153+1590G>A (NM_172079.3, NM_172082.3); c.1225+1590G>A (NM_001293170.2, NM_172078.3); c.1311G>A (NM_001220.4).
Identifiers: ClinVar variation 1674127 (VCV001674127.29), dbSNP rs575970166, ClinGen allele CA4240395.